The following is an entry in ClinVar:

ClinVar aggregate classification (germline): Uncertain significance (1 of 4 stars; one submission).

Submission:

Labcorp Genetics (formerly Invitae), Labcorp
Classification: Uncertain significance. Last evaluated: 2023-07-25. Review status: criteria provided, single submitter. Criteria: Invitae Variant Classification Sherloc (09022015). Collection method: clinical testing. Allele origin: germline.
Comment: This sequence change replaces valine, which is neutral and non-polar, with phenylalanine, which is neutral and non-polar, at codon 227 of the FGF23 protein (p.Val227Phe). This variant is not present in population databases (gnomAD no frequency). This variant has not been reported in the literature in individuals affected with FGF23-related conditions. Advanced modeling of protein sequence and biophysical properties (such as structural, functional, and spatial information, amino acid conservation, physicochemical variation, residue mobility, and thermodynamic stability) has been performed at Invitae for this missense variant, however the output from this modeling did not meet the statistical confidence thresholds required to predict the impact of this variant on FGF23 protein function. In summary, the available evidence is currently insufficient to determine the role of this variant in disease. Therefore, it has been classified as a Variant of Uncertain Significance.

NM_020638.3(FGF23):c.679G>T (p.Val227Phe)

Gene: FGF23 (fibroblast growth factor 23; minus strand). Cytogenetic location: 12p13.32.
Variant type: single nucleotide variant.
Coding change: c.679G>T on transcript NM_020638.3 (MANE Select); coding-DNA position 679, G replaced by T.
Protein change: p.Val227Phe; replaces valine 227 with phenylalanine.
Molecular consequence: missense variant.
Genome position (GRCh38, 1-based): chr12:4,370,420, C>A on the plus strand (G>T on the coding strand, the complement: FGF23 is on the minus strand). VCF-style: chr12-4370420-C-A. GRCh37 (hg19) VCF-style: chr12-4479586-C-A.
Other names: short protein forms V227F.
Identifiers: ClinVar variation 2746664 (VCV002746664.3), dbSNP rs2497235702, ClinGen allele CA383415789.